The following is an entry in ClinVar:

ClinVar aggregate classification (germline): Uncertain significance. Review status: criteria provided, multiple submitters, no conflicts (2 of 4 stars). 2 submissions from 2 submitters: Uncertain significance (2). Last evaluated 2026-01-13.

Conditions:
Inborn genetic diseases. Identifiers: MedGen C0950123, MeSH D030342.
Mosaic variegated aneuploidy syndrome 2 (MVA2). Identifiers: Orphanet 1052, MedGen C3279843, MONDO:0013582, OMIM 614114.

Allele frequency attached by ClinVar (database versions not stated): gnomAD exomes below 0.00001; ExAC 0.00001.
gnomAD v4.1: 2 of 1,613,624 alleles (0.00012%); highest among the groups gnomAD compares: Middle Eastern, 0.017%; no homozygotes.

Submissions (2):

Labcorp Genetics (formerly Invitae), Labcorp
Classification: Uncertain significance for Mosaic variegated aneuploidy syndrome 2. Last evaluated: 2026-01-13. Review status: criteria provided, single submitter. Criteria: Invitae Variant Classification Sherloc (09022015). Collection method: clinical testing. Allele origin: germline.
Comment: This sequence change replaces aspartic acid, which is acidic and polar, with glycine, which is neutral and non-polar, at codon 445 of the CEP57 protein (p.Asp445Gly). This variant is present in population databases (rs748485985, gnomAD 0.0009%). This variant has not been reported in the literature in individuals affected with CEP57-related conditions. ClinVar contains an entry for this variant (Variation ID: 1445938). Invitae Evidence Modeling of protein sequence and biophysical properties (such as structural, functional, and spatial information, amino acid conservation, physicochemical variation, residue mobility, and thermodynamic stability) indicates that this missense variant is not expected to disrupt CEP57 protein function with a negative predictive value of 80%. In summary, the available evidence is currently insufficient to determine the role of this variant in disease. Therefore, it has been classified as a Variant of Uncertain Significance.

Ambry Genetics
Classification: Uncertain significance for Inborn genetic diseases. Last evaluated: 2024-12-08. Review status: criteria provided, single submitter. Criteria: Ambry Variant Classification Scheme 2023. Collection method: clinical testing. Allele origin: germline.
Comment: The p.D445G variant (also known as c.1334A>G), located in coding exon 11 of the CEP57 gene, results from an A to G substitution at nucleotide position 1334. The aspartic acid at codon 445 is replaced by glycine, an amino acid with similar properties. This amino acid position is conserved. In addition, this alteration is predicted to be tolerated by in silico analysis. Based on the available evidence, the clinical significance of this variant remains unclear.

NM_014679.5(CEP57):c.1334A>G (p.Asp445Gly)

Gene: CEP57 (centrosomal protein 57; plus strand). Cytogenetic location: 11q21.
Variant type: single nucleotide variant.
Coding change: c.1334A>G on transcript NM_014679.5 (MANE Select); coding-DNA position 1334, A replaced by G.
Protein change: p.Asp445Gly; replaces aspartic acid 445 with glycine.
Molecular consequence: missense variant.
Genome position (GRCh38, 1-based): chr11:95,831,087, A>G. VCF-style: chr11-95831087-A-G. GRCh37 (hg19) VCF-style: chr11-95564251-A-G.
Other names: c.1307A>G, p.Asp436Gly (NM_001243776.2); c.1256A>G, p.Asp419Gly (NM_001243777.2); c.1253A>G, p.Asp418Gly (NM_001363604.2); c.1334A>G (NM_014679.4); short protein forms D418G, D445G, D419G, D436G.
Identifiers: ClinVar variation 1445938 (VCV001445938.7), dbSNP rs748485985, ClinGen allele CA6239777.